The following is an entry in ClinVar:

NM_170606.3(KMT2C):c.5107G>A (p.Ala1703Thr)

Gene: KMT2C (lysine methyltransferase 2C; minus strand). Cytogenetic location: 7q36.1.
Variant type: single nucleotide variant.
Coding change: c.5107G>A on transcript NM_170606.3 (MANE Select); coding-DNA position 5107, G replaced by A.
Protein change: p.Ala1703Thr; replaces alanine 1703 with threonine.
Molecular consequence: missense variant.
Genome position (GRCh38, 1-based): chr7:152,183,132, C>T on the plus strand (G>A on the coding strand, the complement: KMT2C is on the minus strand). VCF-style: chr7-152183132-C-T. GRCh37 (hg19) VCF-style: chr7-151880217-C-T.
Other names: short protein forms A1703T.
Identifiers: ClinVar variation 3767631 (VCV003767631.1).

ClinVar aggregate classification (germline): Uncertain significance (1 of 4 stars; one submission).

Submission:

GeneDx
Classification: Uncertain significance. Last evaluated: 2024-09-06. Review status: criteria provided, single submitter. Criteria: GeneDx Variant Classification Process June 2021. Collection method: clinical testing. Allele origin: germline. Affected: yes.
Comment: Not observed at significant frequency in large population cohorts (gnomAD); In silico analysis supports that this missense variant has a deleterious effect on protein structure/function; Has not been previously published as pathogenic or benign to our knowledge